The following is an entry in ClinVar:

NM_000051.4(ATM):c.2463T>G (p.Ser821Arg)

Gene: ATM (ATM serine/threonine kinase; plus strand). Cytogenetic location: 11q22.3.
Variant type: single nucleotide variant.
Coding change: c.2463T>G on transcript NM_000051.4 (MANE Select); coding-DNA position 2463, T replaced by G.
Protein change: p.Ser821Arg; replaces serine 821 with arginine.
Molecular consequence: missense variant.
Genome position (GRCh38, 1-based): chr11:108,259,072, T>G. VCF-style: chr11-108259072-T-G. GRCh37 (hg19) VCF-style: chr11-108129799-T-G.
Other names: c.2463T>G, p.Ser821Arg (NM_001351834.2); short protein forms S821R.
Identifiers: ClinVar variation 220178 (VCV000220178.14), dbSNP rs864622412, ClinGen allele CA349704.

ClinVar aggregate classification (germline): Conflicting classifications of pathogenicity. Review status: criteria provided, conflicting classifications (1 of 4 stars). 4 submissions from 4 submitters: Likely pathogenic (2); Uncertain significance (1). 1 of the submissions does not count toward it. Last evaluated 2025-07-30.

Conditions:
Hereditary cancer-predisposing syndrome. Also called: Tumor predisposition; Hereditary neoplastic syndrome; Neoplastic Syndromes, Hereditary; Hereditary Cancer Syndrome. Identifiers: Orphanet 140162, MedGen C0027672, MeSH D009386, MONDO:0015356.
Familial cancer of breast. Also called: hereditary breast carcinoma; Hereditary breast cancer; BREAST CANCER, FAMILIAL. Identifiers: Orphanet 227535, MedGen C0346153, MONDO:0016419, OMIM 114480. Disease mechanism: loss of function.
Ataxia-telangiectasia syndrome (AT). Also called: Ataxia-telangiectasia, complementation group E; AT, COMPLEMENTATION GROUP C; ATAXIA-TELANGIECTASIA, COMPLEMENTATION GROUP A; ATAXIA-TELANGIECTASIA, FRESNO VARIANT; Ataxia-telangiectasia; LOUIS-BAR SYNDROME. Identifiers: Orphanet 100, MedGen C0004135, MONDO:0008840, OMIM 208900.
Malignant tumor of breast. Also called: Malignant breast neoplasm; Cancer breast. Identifiers: MedGen C0006142, MONDO:0007254. Disease mechanism: loss of function.

Submissions (4):

Labcorp Genetics (formerly Invitae), Labcorp
Classification: Uncertain significance for Ataxia-telangiectasia syndrome. Last evaluated: 2025-07-30. Review status: criteria provided, single submitter. Criteria: Invitae Variant Classification Sherloc (09022015). Collection method: clinical testing. Allele origin: germline.
Comment: This sequence change replaces serine, which is neutral and polar, with arginine, which is basic and polar, at codon 821 of the ATM protein (p.Ser821Arg). This variant is not present in population databases (gnomAD no frequency). This variant has not been reported in the literature in individuals affected with ATM-related conditions. ClinVar contains an entry for this variant (Variation ID: 220178). Invitae Evidence Modeling of protein sequence and biophysical properties (such as structural, functional, and spatial information, amino acid conservation, physicochemical variation, residue mobility, and thermodynamic stability) indicates that this missense variant is not expected to disrupt ATM protein function with a negative predictive value of 95%. Algorithms developed to predict the effect of sequence changes on RNA splicing suggest that this variant may disrupt the consensus splice site. In summary, the available evidence is currently insufficient to determine the role of this variant in disease. Therefore, it has been classified as a Variant of Uncertain Significance.

Baylor Genetics
Classification: Likely pathogenic for Familial cancer of breast. Last evaluated: 2022-06-24. Review status: criteria provided, single submitter. Criteria: ACMG Guidelines, 2015. Collection method: clinical testing. Allele origin: unknown.

Ambry Genetics
Classification: Likely pathogenic for Hereditary cancer-predisposing syndrome. Last evaluated: 2021-11-03. Review status: criteria provided, single submitter. Criteria: Ambry Variant Classification Scheme 2023. Collection method: clinical testing. Allele origin: germline.
Comment: The c.2463T>G variant (also known as p.S821R), located in coding exon 15 of the ATM gene, results from a T to G substitution at nucleotide position 2463. The serine at codon 821 is replaced by arginine, an amino acid with dissimilar properties. This nucleotide position is well conserved in available vertebrate species. In silico splice site analysis predicts that this alteration may weaken the native splice donor site and will result in the creation or strengthening of a novel splice donor site. RNA studies have demonstrated that this alteration results in abnormal splicing in the set of samples tested (Ambry internal data). In addition, this variant is considered to be rare based on population cohorts in the Genome Aggregation Database (gnomAD). Based on the majority of available evidence to date, this variant is likely to be pathogenic.

Department of Pathology and Laboratory Medicine, Sinai Health System
Classification: Uncertain significance for Malignant tumor of breast. Review status: no assertion criteria provided. Collection method: clinical testing. Allele origin: unknown. Affected: yes. Study: The Canadian Open Genetics Repository (COGR). Not counted in ClinVar's aggregate classification.
Comment: The ATM p.Ser821Arg variant was not identified in the literature nor was it identified in the following databases: COGR, COSMIC, MutDB, LOVD 3.0, or ATM-LOVD databases. The variant was identified in dbSNP (ID: rs864622412) and in the ClinVar and Clinvitae databases (1x classified as uncertain significance by Invitae). The variant was not identified in the following control databases: the 1000 Genomes Project, the NHLBI GO Exome Sequencing Project, the Exome Aggregation Consortium (August 8th 2016), or the Genome Aggregation Database (Feb 27, 2017). The p.Ser821Arg residue is not conserved in mammals and four out of five computational analyses (PolyPhen-2, SIFT, AlignGVGD, BLOSUM, MutationTaster) do not suggest a high likelihood of impact to the protein; however, this information is not predictive enough to rule out pathogenicity. The variant occurs outside of the splicing consensus sequence however 4 of 5 in silico or computational prediction software programs (SpliceSiteFinder, MaxEntScan, NNSPLICE, GeneSplicer, HumanSpliceFinder) predict a greater than 10% difference in splicing. However, this information is not predictive enough to assume pathogenicity. In summary, based on the above information the clinical significance of this variant cannot be determined with certainty at this time. This variant is classified as a variant of uncertain significance.